The following is an entry in ClinVar:

ClinVar aggregate classification (germline): Pathogenic (1 of 4 stars; one submission).

Conditions:
Hereditary cancer-predisposing syndrome. Also called: Neoplastic Syndromes, Hereditary; Tumor predisposition; Hereditary Cancer Syndrome; Hereditary neoplastic syndrome. Identifiers: Orphanet 140162, MedGen C0027672, MeSH D009386, MONDO:0015356.

Submission:

Ambry Genetics
Classification: Pathogenic for Hereditary cancer-predisposing syndrome. Last evaluated: 2025-11-14. Review status: criteria provided, single submitter. Criteria: Ambry Variant Classification Scheme 2023. Collection method: clinical testing. Allele origin: germline.
Comment: The p.M1? pathogenic mutation (also known as c.2T>G) is located in coding exon 1 of the MEN1 gene and results from a T to G substitution at nucleotide position 2. This alters the methionine residue at the initiation codon (ATG). This mutation has been detected in individuals with features or clinical diagnoses of multiple endocrine neoplasia type 1 (Ambry internal data). This variant was not reported in population-based cohorts in the Genome Aggregation Database (gnomAD). This amino acid position is highly conserved in available vertebrate species. In addition to the clinical data presented in the literature, sequence variations that modify the initiation codon are expected to result in either loss of translation initiation, N-terminal truncation, or cause a shift in the mRNA reading frame. Based on the supporting evidence, this variant is interpreted as a disease-causing mutation.

NM_001370259.2(MEN1):c.2T>G (p.Met1Arg)

Gene: MEN1 (menin 1; minus strand). Cytogenetic location: 11q13.1.
Variant type: single nucleotide variant.
Coding change: c.2T>G on transcript NM_001370259.2 (MANE Select); coding-DNA position 2, T replaced by G.
Protein change: p.Met1Arg; changes the start codon (methionine 1).
Molecular consequence: missense variant, initiator codon variant.
Genome position (GRCh38, 1-based): chr11:64,810,108, A>C on the plus strand (T>G on the coding strand, the complement: MEN1 is on the minus strand). VCF-style: chr11-64810108-A-C. GRCh37 (hg19) VCF-style: chr11-64577580-A-C.
Other names: c.2T>G, p.Met1Arg (NM_000244.4, NM_001370251.2, NM_001370260.2 and 20 more transcripts); short protein forms M1R.
Identifiers: ClinVar variation 1798681 (VCV001798681.4), dbSNP rs2497292377, ClinGen allele CA381188341.
Genomic context (GRCh38, chr11:64,810,108, plus strand): 5'-CGCACCACGTCGTCGATGGAGCGCAGCGGGAACAGCGTCTTCTGGGCGGCCTTCAGCCCC[A>C]TGGCGGCGGGCGGTGGGCGGCGGCCTGCAAGGCAAGCCGGGGGAGGGAGGGTCGGGCAGG-3'
Protein context (NP_001357188.2, residues 1-11): [Met1Arg]GLKAAQKTLF